The following is an entry in ClinVar:

ClinVar aggregate classification (germline): Uncertain significance (1 of 4 stars; one submission).

Conditions:
Hereditary nonpolyposis colorectal neoplasms. Identifiers: MedGen C0009405, MeSH D003123.

Submission:

Labcorp Genetics (formerly Invitae), Labcorp
Classification: Uncertain significance for Hereditary nonpolyposis colorectal neoplasms. Last evaluated: 2023-03-02. Review status: criteria provided, single submitter. Criteria: Invitae Variant Classification Sherloc (09022015). Collection method: clinical testing. Allele origin: germline.
Comment: This sequence change replaces asparagine, which is neutral and polar, with histidine, which is basic and polar, at codon 1136 of the MSH6 protein (p.Asn1136His). This variant is not present in population databases (gnomAD no frequency). This variant has not been reported in the literature in individuals affected with MSH6-related conditions. Advanced modeling of protein sequence and biophysical properties (such as structural, functional, and spatial information, amino acid conservation, physicochemical variation, residue mobility, and thermodynamic stability) has been performed at Invitae for this missense variant, however the output from this modeling did not meet the statistical confidence thresholds required to predict the impact of this variant on MSH6 protein function. In summary, the available evidence is currently insufficient to determine the role of this variant in disease. Therefore, it has been classified as a Variant of Uncertain Significance.

NM_000179.3(MSH6):c.3406A>C (p.Asn1136His)

Gene: MSH6 (mutS homolog 6; plus strand). Cytogenetic location: 2p16.3.
Variant type: single nucleotide variant.
Coding change: c.3406A>C on transcript NM_000179.3 (MANE Select); coding-DNA position 3406, A replaced by C.
Protein change: p.Asn1136His; replaces asparagine 1136 with histidine.
Molecular consequence: missense variant. On other transcripts: non-coding transcript variant (5).
Genome position (GRCh38, 1-based): chr2:47,803,653, A>C. VCF-style: chr2-47803653-A-C. GRCh37 (hg19) VCF-style: chr2-48030792-A-C.
Other names: c.3016A>C, p.Asn1006His (NM_001281492.2); c.2500A>C, p.Asn834His (NM_001281493.2, NM_001281494.2, NM_001406811.1 and 6 more transcripts); c.3502A>C, p.Asn1168His (NM_001406795.1, NM_001406802.1); c.3406A>C, p.Asn1136His (NM_001406796.1, NM_001406800.1, NM_001406808.1 and 1 more transcripts); c.3109A>C, p.Asn1037His (NM_001406797.1, NM_001406801.1, NM_001406805.1 and 10 more transcripts); c.3232A>C, p.Asn1078His (NM_001406798.1); c.2881A>C, p.Asn961His (NM_001406799.1, NM_001406806.1, NM_001406807.1); c.2542A>C, p.Asn848His (NM_001406803.1); and 7 more; short protein forms N1006H, N1080H, N1110H, N451H, N614H, N85H, N1078H, N1136H.
Identifiers: ClinVar variation 2842032 (VCV002842032.3), dbSNP rs2104485048, ClinGen allele CA346758888.
Genomic context (GRCh38, chr2:47,803,653, plus strand): 5'-GGCTGTGAGGAAGAGGAGCAGGAAAATGGCAAAGCCTATTGTGTGCTTGTTACTGGACCA[A>C]ATATGGGGGGCAAGTCTACGCTTATGAGACAGGTAACTGATTCTTAAAGTTTTGTTATCA-3'
Protein context (NP_000170.1, residues 1126-1146): KAYCVLVTGP[Asn1136His]MGGKSTLMRQ